The following is an entry in ClinVar:

ClinVar aggregate classification (germline): Uncertain significance. Review status: criteria provided, multiple submitters, no conflicts (2 of 4 stars). 2 submissions from 2 submitters: Uncertain significance (2). Last evaluated 2025-11-04.

Conditions:
NTRK2-related disorder. Also called: NTRK2-related condition.

Allele frequency attached by ClinVar (database versions not stated): ExAC 0.00001; gnomAD 0.00001; gnomAD exomes 0.00002; 1000 Genomes Project 30x 0.00016; 1000 Genomes Project 0.00020.
gnomAD v4.1: 25 of 1,612,708 alleles (0.0016%); highest among the groups gnomAD compares: East Asian, 0.011%; no homozygotes.

Submissions (2):

PreventionGenetics, part of Exact Sciences
Classification: Uncertain significance for NTRK2-related condition. Last evaluated: 2025-11-04. Review status: criteria provided, single submitter. Criteria: ACMG Guidelines, 2015. Collection method: clinical testing. Allele origin: germline.
Comment: The NTRK2 c.383C>T variant is predicted to result in the amino acid substitution p.Thr128Met. To our knowledge, this variant has not been reported in the literature or in a large population database (gnomAD), indicating this variant is rare. At this time, the clinical significance of this variant is uncertain due to the absence of conclusive functional and genetic evidence.

Labcorp Genetics (formerly Invitae), Labcorp
Classification: Uncertain significance. Last evaluated: 2025-02-23. Review status: criteria provided, single submitter. Criteria: Invitae Variant Classification Sherloc (09022015). Collection method: clinical testing. Allele origin: germline.
Comment: This sequence change replaces threonine, which is neutral and polar, with methionine, which is neutral and non-polar, at codon 128 of the NTRK2 protein (p.Thr128Met). This variant is present in population databases (rs201256653, gnomAD 0.006%). This variant has not been reported in the literature in individuals affected with NTRK2-related conditions. ClinVar contains an entry for this variant (Variation ID: 1519491). Invitae Evidence Modeling of protein sequence and biophysical properties (such as structural, functional, and spatial information, amino acid conservation, physicochemical variation, residue mobility, and thermodynamic stability) indicates that this missense variant is not expected to disrupt NTRK2 protein function with a negative predictive value of 80%. In summary, the available evidence is currently insufficient to determine the role of this variant in disease. Therefore, it has been classified as a Variant of Uncertain Significance.

NM_006180.6(NTRK2):c.383C>T (p.Thr128Met)

Gene: NTRK2 (neurotrophic receptor tyrosine kinase 2; plus strand). Cytogenetic location: 9q21.33.
Variant type: single nucleotide variant.
Coding change: c.383C>T on transcript NM_006180.6 (MANE Select); coding-DNA position 383, C replaced by T.
Protein change: p.Thr128Met; replaces threonine 128 with methionine.
Molecular consequence: missense variant. On other transcripts: 5 prime UTR variant (5).
Genome position (GRCh38, 1-based): chr9:84,707,867, C>T. VCF-style: chr9-84707867-C-T. GRCh37 (hg19) VCF-style: chr9-87322782-C-T.
Other names: c.383C>T, p.Thr128Met (NM_001007097.3, NM_001018064.3, NM_001018065.2 and 18 more transcripts); c.-86C>T (NM_001369535.1, NM_001369536.1, NM_001369550.1 and 2 more transcripts); c.383C>T (NM_006180.4); short protein forms T128M.
Identifiers: ClinVar variation 1519491 (VCV001519491.7), dbSNP rs201256653, ClinGen allele CA5105486.